The following is an entry in ClinVar:

NM_001080472.4(FITM2):c.401A>G (p.His134Arg)

Gene: FITM2 (fat storage inducing transmembrane protein 2; minus strand). Cytogenetic location: 20q13.12.
Variant type: single nucleotide variant.
Coding change: c.401A>G on transcript NM_001080472.4 (MANE Select); coding-DNA position 401, A replaced by G.
Protein change: p.His134Arg; replaces histidine 134 with arginine.
Molecular consequence: missense variant.
Genome position (GRCh38, 1-based): chr20:44,307,013, T>C on the plus strand (A>G on the coding strand, the complement: FITM2 is on the minus strand). VCF-style: chr20-44307013-T-C. GRCh37 (hg19) VCF-style: chr20-42935653-T-C.
Other names: short protein forms H134R.
Identifiers: ClinVar variation 3603216 (VCV003603216.1).
Genomic context (GRCh38, chr20:44,307,013, plus strand): 5'-CCTGAGATGTCAAAGCCATGCCAAAAGCCCCCTTCCTGGTGGCACTGCTGCTTGCTCTGG[T>C]GTTCCTTTCTGACCCCCTCCAGGGCTGGGGACTGGTAGCAGCTGCCCGTGTAGTGTTCGA-3'
Protein context (NP_001073941.1, residues 124-144): SPALEGVRKE[His134Arg]QSKQQCHQEG

ClinVar aggregate classification (germline): Uncertain significance (1 of 4 stars; one submission).

Submission:

GeneDx
Classification: Uncertain significance. Last evaluated: 2024-08-07. Review status: criteria provided, single submitter. Criteria: GeneDx Variant Classification Process June 2021. Collection method: clinical testing. Allele origin: germline. Affected: yes.
Comment: Not observed at significant frequency in large population cohorts (gnomAD); In silico analysis indicates that this missense variant does not alter protein structure/function; Has not been previously published as pathogenic or benign to our knowledge